The following is an entry in ClinVar:

ClinVar aggregate classification (germline): Pathogenic (1 of 4 stars; one submission).

Submission:

Labcorp Genetics (formerly Invitae), Labcorp
Classification: Pathogenic. Last evaluated: 2023-08-23. Review status: criteria provided, single submitter. Criteria: Invitae Variant Classification Sherloc (09022015). Collection method: clinical testing. Allele origin: germline.
Comment: For these reasons, this variant has been classified as Pathogenic. This variant has not been reported in the literature in individuals affected with NR2E3-related conditions. This variant is not present in population databases (gnomAD no frequency). This sequence change creates a premature translational stop signal (p.Leu79Argfs*30) in the NR2E3 gene. It is expected to result in an absent or disrupted protein product. Loss-of-function variants in NR2E3 are known to be pathogenic (PMID: 15459973, 27522502).

Literature cited by the submitters: PubMed 15459973; PubMed 27522502.

NM_014249.4(NR2E3):c.228_235dup (p.Leu79fs)

Gene: NR2E3 (nuclear receptor subfamily 2 group E member 3; plus strand). Cytogenetic location: 15q23.
Variant type: Duplication.
Coding change: c.228_235dup on transcript NM_014249.4 (MANE Select); coding-DNA positions 228 to 235, 8 bases duplicated (GCGGAGGC; older notation c.228_235dupGCGGAGGC).
Protein change: p.Leu79fs; shifts the reading frame from leucine 79.
Molecular consequence: frameshift variant.
Genome position (GRCh38, 1-based): chr15:71,811,592-71,811,599, GCGGAGGC duplicated. VCF-style (leftmost placement, unchanged base first): chr15-71811591-G-GGCGGAGGC. GRCh37 (hg19) VCF-style: chr15-72103931-G-GGCGGAGGC.
Other names: c.228_235dup, p.Leu79fs (NM_016346.4); short protein forms L79fs.
Identifiers: ClinVar variation 2754561 (VCV002754561.3), dbSNP rs2543253382, ClinGen allele CA2697549190.